The following is an entry in ClinVar:

NM_003743.5(NCOA1):c.1177A>G (p.Ser393Gly)

Gene: NCOA1 (nuclear receptor coactivator 1; plus strand). Cytogenetic location: 2p23.3.
Variant type: single nucleotide variant.
Coding change: c.1177A>G on transcript NM_003743.5 (MANE Select); coding-DNA position 1177, A replaced by G.
Protein change: p.Ser393Gly; replaces serine 393 with glycine.
Molecular consequence: missense variant.
Genome position (GRCh38, 1-based): chr2:24,706,647, A>G. VCF-style: chr2-24706647-A-G. GRCh37 (hg19) VCF-style: chr2-24929516-A-G.
Other names: c.1177A>G, p.Ser393Gly (NM_001362950.1, NM_001362952.1, NM_001362954.1 and 3 more transcripts); short protein forms S393G.
Identifiers: ClinVar variation 4981193 (VCV004981193.1).

ClinVar aggregate classification (germline): Uncertain significance (1 of 4 stars; one submission).

Conditions:
NCOA1-related disorder. Also called: NCOA1-related condition.

gnomAD v4.1: 22 of 1,614,220 alleles (0.0014%); highest among the groups gnomAD compares: Middle Eastern, 0.033%; no homozygotes.

Submission:

PreventionGenetics, part of Exact Sciences
Classification: Uncertain significance for NCOA1-related condition. Last evaluated: 2025-04-22. Review status: criteria provided, single submitter. Criteria: ACMG Guidelines, 2015. Collection method: clinical testing. Allele origin: germline.
Comment: The NCOA1 c.1177A>G variant is predicted to result in the amino acid substitution p.Ser393Gly. To our knowledge, this variant has not been reported in the literature. This variant is reported in 0.0018% of alleles in individuals of European (Non-Finnish) descent in gnomAD. At this time, the clinical significance of this variant is uncertain due to the absence of conclusive functional and genetic evidence.